The following is an entry in ClinVar:

NM_000214.3(JAG1):c.2927C>T (p.Thr976Met)

Gene: JAG1 (jagged canonical Notch ligand 1; minus strand). Cytogenetic location: 20p12.2.
Variant type: single nucleotide variant.
Coding change: c.2927C>T on transcript NM_000214.3 (MANE Select); coding-DNA position 2927, C replaced by T.
Protein change: p.Thr976Met; replaces threonine 976 with methionine.
Molecular consequence: missense variant.
Genome position (GRCh38, 1-based): chr20:10,641,234, G>A on the plus strand (C>T on the coding strand, the complement: JAG1 is on the minus strand). VCF-style: chr20-10641234-G-A. GRCh37 (hg19) VCF-style: chr20-10621882-G-A.
Other names: p.Thr976Met; c.2927C>T, p.Thr976Met (LRG_1191t1); short protein forms T976M.
Identifiers: ClinVar variation 500949 (VCV000500949.33), dbSNP rs751809412, ClinGen allele CA9764340.

ClinVar aggregate classification (germline): Conflicting classifications of pathogenicity. Review status: criteria provided, conflicting classifications (1 of 4 stars). 7 submissions from 7 submitters: Uncertain significance (3); Likely benign (4). Last evaluated 2025-10-21.

Conditions:
JAG1-related disorder. Also called: JAG1-related condition; JAG1-related disorders.
Alagille syndrome due to a JAG1 point mutation. Also called: HEPATIC DUCTULAR HYPOPLASIA, SYNDROMATIC; Alagille Syndrome 1; JAG1-Related Alagille Syndrome. Identifiers: Orphanet 261619, Orphanet 52, MedGen C1956125, MONDO:0016862, OMIM 118450.
Tetralogy of Fallot (TOF). Identifiers: Orphanet 3303, MedGen C0039685, MONDO:0008542, OMIM 187500, HP:0001636.
Deafness, congenital heart defects, and posterior embryotoxon (DCHE). Identifiers: MedGen C1866053, MONDO:0060713, OMIM 617992.
Charcot-Marie-Tooth disease, axonal, Type 2HH. Also called: CHARCOT-MARIE-TOOTH NEUROPATHY, TYPE 2HH. Identifiers: MedGen C5562003, MONDO:0030458, OMIM 619574.
Cardiovascular phenotype. Identifiers: MedGen CN230736.

Allele frequency attached by ClinVar (database versions not stated): ExAC 0.00003; gnomAD exomes 0.00004 and 0.00007; gnomAD 0.00005; TOPMed 0.00006.
gnomAD v4.1: 123 of 1,613,826 alleles (0.0076%); highest among the groups gnomAD compares: East Asian, 0.027%; no homozygotes.

Submissions (7):

Labcorp Genetics (formerly Invitae), Labcorp
Classification: Likely benign for Alagille syndrome due to a JAG1 point mutation. Last evaluated: 2025-10-21. Review status: criteria provided, single submitter. Criteria: Invitae Variant Classification Sherloc (09022015). Collection method: clinical testing. Allele origin: germline.

PreventionGenetics, part of Exact Sciences
Classification: Likely benign for JAG1-related condition. Last evaluated: 2025-09-11. Review status: criteria provided, single submitter. Criteria: ACMG Guidelines, 2015. Collection method: clinical testing. Allele origin: germline.
Comment: This variant is classified as likely benign based on ACMG/AMP sequence variant interpretation guidelines (Richards et al. 2015 PMID: 25741868, with internal and published modifications).

CeGaT Center for Human Genetics Tuebingen
Classification: Likely benign. Last evaluated: 2025-02-01. Review status: criteria provided, single submitter. Criteria: CeGaT Center For Human Genetics Tuebingen Variant Classification Criteria Version 2. Collection method: clinical testing. Allele origin: germline. Affected: yes. Observed: 1 variant allele.
Comment: JAG1: BS2

Mayo Clinic Laboratories, Mayo Clinic
Classification: Uncertain significance. Last evaluated: 2024-07-23. Review status: criteria provided, single submitter. Criteria: ACMG Guidelines, 2015. Collection method: clinical testing. Allele origin: germline. Observed: 1 variant allele.

Ambry Genetics
Classification: Uncertain significance for Cardiovascular phenotype. Last evaluated: 2024-06-10. Review status: criteria provided, single submitter. Criteria: Ambry Variant Classification Scheme 2023. Collection method: clinical testing. Allele origin: germline.

Fulgent Genetics
Classification: Likely benign for Alagille syndrome due to a JAG1 point mutation; Tetralogy of Fallot; Deafness, congenital heart defects, and posterior embryotoxon; Charcot-Marie-Tooth disease, axonal, Type 2HH. Last evaluated: 2024-05-09. Review status: criteria provided, single submitter. Criteria: ACMG Guidelines, 2015. Collection method: clinical testing. Allele origin: germline.

Eurofins Ntd Llc (ga)
Classification: Uncertain significance. Last evaluated: 2018-07-24. Review status: criteria provided, single submitter. Criteria: EGL ClinVar v180209 classification definitions. Collection method: clinical testing. Allele origin: germline. Observed: 3 variant alleles, 3 heterozygotes.